The following is an entry in ClinVar:

NM_014491.4(FOXP2):c.1484_1485del (p.Asn494_Tyr495insTer)

Gene: FOXP2 (forkhead box P2; plus strand). Cytogenetic location: 7q31.1.
Variant type: Deletion.
Coding change: c.1484_1485del on transcript NM_014491.4 (MANE Select); coding-DNA positions 1484 to 1485, 2 bases deleted (AT; older notation c.1484_1485delAT).
Protein change: p.Asn494_Tyr495insTer.
Molecular consequence: nonsense. On other transcripts: non-coding transcript variant (2).
Genome position (GRCh38, 1-based): chr7:114,659,371-114,659,372, AT deleted; deleting any 2 consecutive bases within chr7:114,659,370-114,659,372 gives the same sequence; the c. name uses the placement nearest the transcript's 3' end. VCF-style (leftmost placement, unchanged base first): chr7-114659369-CTA-C. GRCh37 (hg19) VCF-style: chr7-114299424-CTA-C.
Other names: c.1481_1482del, p.Asn493_Tyr494insTer (NM_001172766.3); c.1559_1560del, p.Asn519_Tyr520insTer (NM_148898.4); c.1535_1536del, p.Asn511_Tyr512insTer (NM_148900.4).
Identifiers: ClinVar variation 2631288 (VCV002631288.1), dbSNP rs2485480571, ClinGen allele CA2695199615.

ClinVar aggregate classification (germline): Likely pathogenic (1 of 4 stars; one submission).

Conditions:
FOXP2-related disorder. Also called: FOXP2-related condition.

Submission:

PreventionGenetics, part of Exact Sciences
Classification: Likely pathogenic for FOXP2-related condition. Last evaluated: 2023-06-30. Review status: criteria provided, single submitter. Criteria: ACMG Guidelines, 2015. Collection method: clinical testing. Allele origin: germline.
Comment: The FOXP2 c.1484_1485delAT variant is predicted to result in premature protein termination (p.Tyr495*). To our knowledge, this variant has not been reported in the literature or in a large population database, indicating this variant is rare. Nonsense variants in FOXP2 are expected to be pathogenic. This variant is interpreted as likely pathogenic.